The following is an entry in ClinVar:

ClinVar aggregate classification (germline): Uncertain significance (1 of 4 stars; one submission).

Allele frequency attached by ClinVar (database versions not stated): gnomAD exomes below 0.00001; TOPMed 0.00002.

Submission:

Labcorp Genetics (formerly Invitae), Labcorp
Classification: Uncertain significance. Last evaluated: 2023-12-11. Review status: criteria provided, single submitter. Criteria: Invitae Variant Classification Sherloc (09022015). Collection method: clinical testing. Allele origin: germline.
Comment: This sequence change replaces proline, which is neutral and non-polar, with serine, which is neutral and polar, at codon 247 of the APCDD1 protein (p.Pro247Ser). This variant is not present in population databases (gnomAD no frequency). This variant has not been reported in the literature in individuals affected with APCDD1-related conditions. Advanced modeling of protein sequence and biophysical properties (such as structural, functional, and spatial information, amino acid conservation, physicochemical variation, residue mobility, and thermodynamic stability) performed at Invitae indicates that this missense variant is not expected to disrupt APCDD1 protein function with a negative predictive value of 80%. In summary, the available evidence is currently insufficient to determine the role of this variant in disease. Therefore, it has been classified as a Variant of Uncertain Significance.

NM_153000.5(APCDD1):c.739C>T (p.Pro247Ser)

Gene: APCDD1 (APC down-regulated 1; plus strand). Cytogenetic location: 18p11.22.
Variant type: single nucleotide variant.
Coding change: c.739C>T on transcript NM_153000.5 (MANE Select); coding-DNA position 739, C replaced by T.
Protein change: p.Pro247Ser; replaces proline 247 with serine.
Molecular consequence: missense variant.
Genome position (GRCh38, 1-based): chr18:10,472,026, C>T. VCF-style: chr18-10472026-C-T. GRCh37 (hg19) VCF-style: chr18-10472023-C-T.
Other names: short protein forms P247S.
Identifiers: ClinVar variation 2907747 (VCV002907747.3), dbSNP rs1057289531, ClinGen allele CA295977646.